The following is an entry in ClinVar:

NM_001211.6(BUB1B):c.2527A>C (p.Thr843Pro)

Gene: BUB1B (BUB1 mitotic checkpoint serine/threonine kinase B; plus strand). Cytogenetic location: 15q15.1.
Variant type: single nucleotide variant.
Coding change: c.2527A>C on transcript NM_001211.6 (MANE Select); coding-DNA position 2527, A replaced by C.
Protein change: p.Thr843Pro; replaces threonine 843 with proline.
Molecular consequence: missense variant.
Genome position (GRCh38, 1-based): chr15:40,212,640, A>C. VCF-style: chr15-40212640-A-C. GRCh37 (hg19) VCF-style: chr15-40504841-A-C.
Other names: short protein forms T843P.
Identifiers: ClinVar variation 2560839 (VCV002560839.3), dbSNP rs1284286016, ClinGen allele CA391695564.

ClinVar aggregate classification (germline): Uncertain significance (1 of 4 stars; one submission).

Conditions:
Inborn genetic diseases. Identifiers: MedGen C0950123, MeSH D030342.

Submission:

Ambry Genetics
Classification: Uncertain significance for Inborn genetic diseases. Last evaluated: 2025-08-20. Review status: criteria provided, single submitter. Criteria: Ambry Variant Classification Scheme 2023. Collection method: clinical testing. Allele origin: germline.
Comment: The p.T843P variant (also known as c.2527A>C), located in coding exon 19 of the BUB1B gene, results from an A to C substitution at nucleotide position 2527. The threonine at codon 843 is replaced by proline, an amino acid with highly similar properties. This amino acid position is conserved. In addition, the in silico prediction for this alteration is inconclusive. Since supporting evidence is limited at this time, the clinical significance of this alteration remains unclear.